The following is an entry in ClinVar:

ClinVar aggregate classification (germline): Uncertain significance (1 of 4 stars; one submission).

Conditions:
Primary ciliary dyskinesia. Also called: Ciliary dyskinesia. Identifiers: Orphanet 244, MedGen C0008780, MONDO:0016575, HP:0012265.

Submission:

Labcorp Genetics (formerly Invitae), Labcorp
Classification: Uncertain significance for Primary ciliary dyskinesia. Last evaluated: 2024-10-25. Review status: criteria provided, single submitter. Criteria: Invitae Variant Classification Sherloc (09022015). Collection method: clinical testing. Allele origin: germline.
Comment: This sequence change replaces leucine, which is neutral and non-polar, with valine, which is neutral and non-polar, at codon 3561 of the DNAH5 protein (p.Leu3561Val). This variant is not present in population databases (gnomAD no frequency). This variant has not been reported in the literature in individuals affected with DNAH5-related conditions. ClinVar contains an entry for this variant (Variation ID: 2053430). Invitae Evidence Modeling of protein sequence and biophysical properties (such as structural, functional, and spatial information, amino acid conservation, physicochemical variation, residue mobility, and thermodynamic stability) indicates that this missense variant is not expected to disrupt DNAH5 protein function with a negative predictive value of 95%. In summary, the available evidence is currently insufficient to determine the role of this variant in disease. Therefore, it has been classified as a Variant of Uncertain Significance.

NM_001369.3(DNAH5):c.10681C>G (p.Leu3561Val)

Gene: DNAH5 (dynein axonemal heavy chain 5; minus strand). Cytogenetic location: 5p15.2.
Variant type: single nucleotide variant.
Coding change: c.10681C>G on transcript NM_001369.3 (MANE Select); coding-DNA position 10681, C replaced by G.
Protein change: p.Leu3561Val; replaces leucine 3561 with valine.
Molecular consequence: missense variant.
Genome position (GRCh38, 1-based): chr5:13,753,424, G>C on the plus strand (C>G on the coding strand, the complement: DNAH5 is on the minus strand). VCF-style: chr5-13753424-G-C. GRCh37 (hg19) VCF-style: chr5-13753533-G-C.
Other names: short protein forms L3561V.
Identifiers: ClinVar variation 2053430 (VCV002053430.4), dbSNP rs1750534633, ClinGen allele CA359191809.